The following is an entry in ClinVar:

NM_001127644.2(GABRA1):c.476+19C>T

Gene: GABRA1 (gamma-aminobutyric acid type A receptor subunit alpha1; plus strand). Cytogenetic location: 5q34.
Variant type: single nucleotide variant.
Coding change: c.476+19C>T on transcript NM_001127644.2 (MANE Select); 19 bases into the intron after coding-DNA position 476, C replaced by T.
Molecular consequence: intron variant.
Genome position (GRCh38, 1-based): chr5:161,873,356, C>T. VCF-style: chr5-161873356-C-T. GRCh37 (hg19) VCF-style: chr5-161300362-C-T.
Other names: c.476+19C>T (NM_000806.5, NM_001127643.2, NM_001127645.2 and 1 more transcripts).
Identifiers: ClinVar variation 387581 (VCV000387581.4), dbSNP rs1057522828, ClinGen allele CA16604851.

ClinVar aggregate classification (germline): Likely benign. Review status: criteria provided, multiple submitters, no conflicts (2 of 4 stars). 2 submissions from 2 submitters: Likely benign (2). Last evaluated 2023-06-10.

Conditions:
Epilepsy, idiopathic generalized, susceptibility to, 13. Also called: EPILEPSY, JUVENILE MYOCLONIC, SUSCEPTIBILITY TO, 5. Identifiers: Orphanet 307, Orphanet 64280, MedGen C4013473, MONDO:0012627, OMIM 611136.
Epilepsy, childhood absence 4 (ECA4). Also called: EPILEPSY, CHILDHOOD ABSENCE, SUSCEPTIBILITY TO, 4. Identifiers: Orphanet 307, MedGen C1970160.
Idiopathic generalized epilepsy. Also called: EIG; Generalised epilepsy. Identifiers: MedGen C0270850, MONDO:0005579, OMIM 600669.

Submissions (2):

Labcorp Genetics (formerly Invitae), Labcorp
Classification: Likely benign for Epilepsy, childhood absence 4; Epilepsy, idiopathic generalized, susceptibility to, 13; Idiopathic generalized epilepsy. Last evaluated: 2023-06-10. Review status: criteria provided, single submitter. Criteria: Invitae Variant Classification Sherloc (09022015). Collection method: clinical testing. Allele origin: germline.

GeneDx
Classification: Likely benign. Last evaluated: 2016-07-12. Review status: criteria provided, single submitter. Criteria: GeneDx Variant Classification (06012015). Collection method: clinical testing. Allele origin: germline. Affected: yes.
Comment: This variant is considered likely benign or benign based on one or more of the following criteria: it is a conservative change, it occurs at a poorly conserved position in the protein, it is predicted to be benign by multiple in silico algorithms, and/or has population frequency not consistent with disease.